The following is an entry in ClinVar:

NM_001605.3(AARS1):c.386C>T (p.Pro129Leu)

Gene: AARS1 (alanyl-tRNA synthetase 1; minus strand). Cytogenetic location: 16q22.1.
Variant type: single nucleotide variant.
Coding change: c.386C>T on transcript NM_001605.3 (MANE Select); coding-DNA position 386, C replaced by T.
Protein change: p.Pro129Leu; replaces proline 129 with leucine.
Molecular consequence: missense variant.
Genome position (GRCh38, 1-based): chr16:70,276,579, G>A on the plus strand (C>T on the coding strand, the complement: AARS1 is on the minus strand). VCF-style: chr16-70276579-G-A. GRCh37 (hg19) VCF-style: chr16-70310482-G-A.
Other names: short protein forms P129L.
Identifiers: ClinVar variation 2168202 (VCV002168202.4), dbSNP rs1040693054, ClinGen allele CA283448964.

ClinVar aggregate classification (germline): Uncertain significance (1 of 4 stars; one submission).

Conditions:
Charcot-Marie-Tooth disease type 2. Also called: Charcot-Marie-Tooth type 2. Identifiers: Orphanet 64746, MedGen C0270914, MONDO:0018993.

Allele frequency attached by ClinVar (database versions not stated): gnomAD exomes 0.00001; TOPMed 0.00001.

Submission:

Labcorp Genetics (formerly Invitae), Labcorp
Classification: Uncertain significance for Charcot-Marie-Tooth disease type 2. Last evaluated: 2022-10-01. Review status: criteria provided, single submitter. Criteria: Invitae Variant Classification Sherloc (09022015). Collection method: clinical testing. Allele origin: germline.
Comment: In summary, the available evidence is currently insufficient to determine the role of this variant in disease. Therefore, it has been classified as a Variant of Uncertain Significance. Advanced modeling of protein sequence and biophysical properties (such as structural, functional, and spatial information, amino acid conservation, physicochemical variation, residue mobility, and thermodynamic stability) has been performed at Invitae for this missense variant, however the output from this modeling did not meet the statistical confidence thresholds required to predict the impact of this variant on AARS protein function. This variant has not been reported in the literature in individuals affected with AARS-related conditions. This variant is not present in population databases (gnomAD no frequency). This sequence change replaces proline, which is neutral and non-polar, with leucine, which is neutral and non-polar, at codon 129 of the AARS protein (p.Pro129Leu).